The following is an entry in ClinVar:

NM_001184880.2(PCDH19):c.870G>T (p.Gln290His)

Gene: PCDH19 (protocadherin 19; minus strand). Cytogenetic location: Xq22.1.
Variant type: single nucleotide variant.
Coding change: c.870G>T on transcript NM_001184880.2 (MANE Select); coding-DNA position 870, G replaced by T.
Protein change: p.Gln290His; replaces glutamine 290 with histidine.
Molecular consequence: missense variant.
Genome position (GRCh38, 1-based): chrX:100,407,728, C>A on the plus strand (G>T on the coding strand, the complement: PCDH19 is on the minus strand). VCF-style: chrX-100407728-C-A. GRCh37 (hg19) VCF-style: chrX-99662726-C-A.
Other names: c.870G>T (NM_001184880.1); c.870G>T, p.Gln290His (NM_001105243.2, NM_020766.3); short protein forms Q290H.
Identifiers: ClinVar variation 2730973 (VCV002730973.4), dbSNP rs767393602, ClinGen allele CA10468941.
Genomic context (GRCh38, chrX:100,407,728, plus strand): 5'-GTGCCCCTCTTCGTAGTCTAAAGCGCCAGTGACAGTGACCAGGCCACTGTGCGGGTCGAT[C>A]TGAAAGAGCTCGCGCGTGCGGTCGTTGACGTAGCCATAGAAGGAGTAGACCACCTGGCCG-3'
Protein context (NP_001171809.1, residues 280-300): YVNDRTRELF[Gln290His]IDPHSGLVTV

ClinVar aggregate classification (germline): Uncertain significance. Review status: criteria provided, multiple submitters, no conflicts (2 of 4 stars). 2 submissions from 2 submitters: Uncertain significance (2). Last evaluated 2025-12-31.

Conditions:
Inborn genetic diseases. Identifiers: MedGen C0950123, MeSH D030342.
Developmental and epileptic encephalopathy, 9 (DEE9). Also called: Early infantile epileptic encephalopathy 9; EPILEPSY, FEMALE-RESTRICTED, WITH MENTAL RETARDATION; JUBERG-HELLMAN SYNDROME; PCDH19-Related X-Linked Female-Limited Epilepsy with Mental Retardation. Identifiers: Orphanet 101039, Orphanet 2076, MedGen C1848137, MONDO:0010246, OMIM 300088. Disease mechanism: loss of function.

Allele frequency attached by ClinVar (database versions not stated): gnomAD exomes below 0.00001; TOPMed below 0.00001; ExAC 0.00001.
gnomAD v4.1: 1 of 1,212,389 alleles (0.000082%); highest among the groups gnomAD compares: Admixed American, 0.0022%; no homozygotes.

Submissions (2):

Ambry Genetics
Classification: Uncertain significance for Inborn genetic diseases. Last evaluated: 2025-12-31. Review status: criteria provided, single submitter. Criteria: Ambry Variant Classification Scheme 2023. Collection method: clinical testing. Allele origin: germline.
Comment: The c.870G>T (p.Q290H) alteration is located in exon 1 (coding exon 1) of the PCDH19 gene. This alteration results from a G to T substitution at nucleotide position 870, causing the glutamine (Q) at amino acid position 290 to be replaced by a histidine (H). Based on data from gnomAD, the T allele has an overall frequency of 0.001% (1/181661) total alleles studied. The highest observed frequency was 0.004% (1/27382) of Latino alleles. Based on insufficient or conflicting evidence, the clinical significance of this alteration remains unclear.

Labcorp Genetics (formerly Invitae), Labcorp
Classification: Uncertain significance for Developmental and epileptic encephalopathy, 9. Last evaluated: 2025-09-21. Review status: criteria provided, single submitter. Criteria: Invitae Variant Classification Sherloc (09022015). Collection method: clinical testing. Allele origin: germline.
Comment: This sequence change replaces glutamine, which is neutral and polar, with histidine, which is basic and polar, at codon 290 of the PCDH19 protein (p.Gln290His). This variant is present in population databases (rs767393602, gnomAD 0.004%). This variant has not been reported in the literature in individuals affected with PCDH19-related conditions. ClinVar contains an entry for this variant (Variation ID: 2730973). Invitae Evidence Modeling of protein sequence and biophysical properties (such as structural, functional, and spatial information, amino acid conservation, physicochemical variation, residue mobility, and thermodynamic stability) indicates that this missense variant is not expected to disrupt PCDH19 protein function with a negative predictive value of 95%. In summary, the available evidence is currently insufficient to determine the role of this variant in disease. Therefore, it has been classified as a Variant of Uncertain Significance.